The following is an entry in ClinVar:

NM_006180.6(NTRK2):c.171A>G (p.Arg57=)

Gene: NTRK2 (neurotrophic receptor tyrosine kinase 2; plus strand). Cytogenetic location: 9q21.33.
Variant type: single nucleotide variant.
Coding change: c.171A>G on transcript NM_006180.6 (MANE Select); coding-DNA position 171, A replaced by G.
Protein change: p.Arg57=; no amino-acid change (arginine 57 retained).
Molecular consequence: synonymous variant.
Genome position (GRCh38, 1-based): chr9:84,670,919, A>G. VCF-style: chr9-84670919-A-G. GRCh37 (hg19) VCF-style: chr9-87285834-A-G.
Other names: c.171A>G, p.Arg57= (NM_001007097.3, NM_001018064.3, NM_001018065.2 and 18 more transcripts).
Identifiers: ClinVar variation 3358516 (VCV003358516.1).

ClinVar aggregate classification (germline): Likely benign (0 of 4 stars; one submission).

Conditions:
NTRK2-related disorder. Also called: NTRK2-related condition.

Submission:

PreventionGenetics, part of Exact Sciences
Classification: Likely benign for NTRK2-related condition. Last evaluated: 2024-06-10. Review status: no assertion criteria provided. Collection method: clinical testing. Allele origin: germline.
Comment: This variant is classified as likely benign based on ACMG/AMP sequence variant interpretation guidelines (Richards et al. 2015 PMID: 25741868, with internal and published modifications).